The following is an entry in ClinVar:

NM_001365276.2(TNXB):c.5035G>T (p.Glu1679Ter)

Gene: TNXB (tenascin XB; minus strand). Cytogenetic location: 6p21.33.
Variant type: single nucleotide variant.
Coding change: c.5035G>T on transcript NM_001365276.2 (MANE Select); coding-DNA position 5035, G replaced by T.
Protein change: p.Glu1679Ter; replaces glutamic acid 1679 with a stop codon.
Molecular consequence: nonsense.
Genome position (GRCh38, 1-based): chr6:32,070,370, C>A on the plus strand (G>T on the coding strand, the complement: TNXB is on the minus strand). VCF-style: chr6-32070370-C-A. GRCh37 (hg19) VCF-style: chr6-32038147-C-A.
Other names: p.Glu1679*; c.5776G>T, p.Glu1926Ter (NM_001428335.1); c.5035G>T, p.Glu1679Ter (NM_019105.8); short protein forms E1679*, E1926*.
Identifiers: ClinVar variation 3381006 (VCV003381006.1).

ClinVar aggregate classification (germline): Likely pathogenic (1 of 4 stars; one submission).

Submission:

Mayo Clinic Laboratories, Mayo Clinic
Classification: Likely pathogenic. Last evaluated: 2024-06-06. Review status: criteria provided, single submitter. Criteria: ACMG Guidelines, 2015. Collection method: clinical testing. Allele origin: germline. Observed: 1 variant allele.
Comment: PM2, PVS1